The following is an entry in ClinVar:

NM_000245.4(MET):c.2473G>C (p.Gly825Arg)

Gene: MET (MET proto-oncogene, receptor tyrosine kinase; plus strand). Cytogenetic location: 7q31.2.
Variant type: single nucleotide variant.
Coding change: c.2473G>C on transcript NM_000245.4 (MANE Select); coding-DNA position 2473, G replaced by C.
Protein change: p.Gly825Arg; replaces glycine 825 with arginine.
Molecular consequence: missense variant.
Genome position (GRCh38, 1-based): chr7:116,763,158, G>C. VCF-style: chr7-116763158-G-C. GRCh37 (hg19) VCF-style: chr7-116403212-G-C.
Other names: c.2527G>C, p.Gly843Arg (NM_001127500.3); c.2473G>C, p.Gly825Arg (NM_001324401.3); c.1183G>C, p.Gly395Arg (NM_001324402.2); short protein forms G843R, G395R, G825R.
Identifiers: ClinVar variation 3647404 (VCV003647404.2).

ClinVar aggregate classification (germline): Uncertain significance (1 of 4 stars; one submission).

Conditions:
Renal cell carcinoma. Identifiers: Orphanet 217071, MedGen C0007134, MeSH D002292, MONDO:0005086, HP:0005584.

Submission:

Labcorp Genetics (formerly Invitae), Labcorp
Classification: Uncertain significance for Renal cell carcinoma. Last evaluated: 2024-03-24. Review status: criteria provided, single submitter. Criteria: Invitae Variant Classification Sherloc (09022015). Collection method: clinical testing. Allele origin: germline.
Comment: This sequence change replaces glycine, which is neutral and non-polar, with arginine, which is basic and polar, at codon 843 of the MET protein (p.Gly843Arg). This variant is not present in population databases (gnomAD no frequency). This variant has not been reported in the literature in individuals affected with MET-related conditions. Advanced modeling of protein sequence and biophysical properties (such as structural, functional, and spatial information, amino acid conservation, physicochemical variation, residue mobility, and thermodynamic stability) has been performed at Invitae for this missense variant, however the output from this modeling did not meet the statistical confidence thresholds required to predict the impact of this variant on MET protein function. In summary, the available evidence is currently insufficient to determine the role of this variant in disease. Therefore, it has been classified as a Variant of Uncertain Significance.